The following is an entry in ClinVar:

NM_001374736.1(DST):c.19860C>G (p.Asp6620Glu)

Gene: DST (dystonin; minus strand). Cytogenetic location: 6p12.1.
Variant type: single nucleotide variant.
Coding change: c.19860C>G on transcript NM_001374736.1 (MANE Select); coding-DNA position 19860, C replaced by G.
Protein change: p.Asp6620Glu; replaces aspartic acid 6620 with glutamic acid.
Molecular consequence: missense variant.
Genome position (GRCh38, 1-based): chr6:56,501,116, G>C on the plus strand (C>G on the coding strand, the complement: DST is on the minus strand). VCF-style: chr6-56501116-G-C. GRCh37 (hg19) VCF-style: chr6-56365914-G-C.
Other names: c.13503C>G, p.Asp4501Glu (NM_001144769.5); c.13089C>G, p.Asp4363Glu (NM_001144770.2); c.19860C>G, p.Asp6620Glu (NM_001374722.1); c.18900C>G, p.Asp6300Glu (NM_001374729.1); c.12642C>G, p.Asp4214Glu (NM_001374730.1); c.19887C>G, p.Asp6629Glu (NM_001374734.1); c.12969C>G, p.Asp4323Glu (NM_001386100.1, NM_183380.4); c.11991C>G, p.Asp3997Glu (NM_015548.5); short protein forms D6620E, D3997E, D4363E, D6629E, D4323E, D4501E, D6300E, D4214E.
Identifiers: ClinVar variation 1770583 (VCV001770583.2), dbSNP rs1273225067, ClinGen allele CA364520080.

ClinVar aggregate classification (germline): Uncertain significance (1 of 4 stars; one submission).

Conditions:
Inborn genetic diseases. Identifiers: MedGen C0950123, MeSH D030342.

Allele frequency attached by ClinVar (database versions not stated): gnomAD 0.00002; TOPMed 0.00002.
gnomAD v4.1: 3 of 1,612,630 alleles (0.00019%); highest among the groups gnomAD compares: African/African-American, 0.004%; no homozygotes.

Submission:

Ambry Genetics
Classification: Uncertain significance for Inborn genetic diseases. Last evaluated: 2020-03-20. Review status: criteria provided, single submitter. Criteria: Ambry Variant Classification Scheme 2023. Collection method: clinical testing. Allele origin: germline.
Comment: The p.D4501E variant (also known as c.13503C>G), located in coding exon 74 of the DST gene, results from a C to G substitution at nucleotide position 13503. The aspartic acid at codon 4501 is replaced by glutamic acid, an amino acid with highly similar properties. This amino acid position is highly conserved in available vertebrate species. In addition, the in silico prediction for this alteration is inconclusive. Since supporting evidence is limited at this time, the clinical significance of this alteration remains unclear.